The following is an entry in ClinVar:

ClinVar aggregate classification (germline): Likely benign. Review status: criteria provided, multiple submitters, no conflicts (2 of 4 stars). 3 submissions from 3 submitters: Likely benign (3). Last evaluated 2024-08-21.

Conditions:
Inborn genetic diseases. Identifiers: MedGen C0950123, MeSH D030342.
Wilms tumor 1 (WT1). Also called: Wilms tumor, somatic. Identifiers: Orphanet 654, MedGen CN033288, MONDO:0008679, OMIM 194070.
11p partial monosomy syndrome (WAGR). Also called: CHROMOSOME 11p13 DELETION SYNDROME; WAGR Spectrum Disorder; WAGR syndrome; WAGR Complex. Identifiers: Orphanet 893, MedGen C0206115, MONDO:0008681, OMIM 194072.
Frasier syndrome. Identifiers: Orphanet 347, MedGen C0950122, MeSH D052159, MONDO:0007635, OMIM 136680.
Drash syndrome (DDS). Also called: NEPHROPATHY, WILMS TUMOR, AND GENITAL ANOMALIES; WILMS TUMOR AND PSEUDO- OR TRUE HERMAPHRODITISM. Identifiers: Orphanet 220, MedGen C0950121, MONDO:0008682, OMIM 194080.

Allele frequency attached by ClinVar (database versions not stated): gnomAD 0.00001; TOPMed 0.00001; gnomAD exomes 0.00002; ExAC 0.00006.
gnomAD v4.1: 13 of 1,612,322 alleles (0.00081%); highest among the groups gnomAD compares: Non-Finnish European, 0.001%; no homozygotes.

Submissions (3):

Ambry Genetics
Classification: Likely benign for Inborn genetic diseases. Last evaluated: 2024-08-21. Review status: criteria provided, single submitter. Criteria: Ambry Variant Classification Scheme 2023. Collection method: clinical testing. Allele origin: germline.

All of Us Research Program, National Institutes of Health
Classification: Likely benign for Wilms tumor 1. Last evaluated: 2023-05-04. Review status: criteria provided, single submitter. Criteria: ACMG Guidelines, 2015. Collection method: clinical testing. Allele origin: germline. Inheritance: Autosomal dominant inheritance. Observed: 1 variant allele, 1 heterozygote.
Comment: This study involves interpretation of variants in research participants for the purpose of population health screening. Participant phenotype was not available at the time of variant classification. Additional details can be found in publication PMID: 35346344, PMCID: PMC8962531

Labcorp Genetics (formerly Invitae), Labcorp
Classification: Likely benign for Wilms tumor 1; Drash syndrome; 11p partial monosomy syndrome; Frasier syndrome. Last evaluated: 2022-07-21. Review status: criteria provided, single submitter. Criteria: Invitae Variant Classification Sherloc (09022015). Collection method: clinical testing. Allele origin: germline.

NM_024426.6(WT1):c.480G>A (p.Gln160=)

Genes: WT1 (WT1 transcription factor; minus strand), LOC107982234 (WT1/WT1-AS bi-directional promoter region; plus strand). Cytogenetic location: 11p13.
Variant type: single nucleotide variant.
Coding change: c.480G>A on transcript NM_024426.6 (MANE Select); coding-DNA position 480, G replaced by A.
Protein change: p.Gln160=; no amino-acid change (glutamine 160 retained).
Molecular consequence: synonymous variant. On other transcripts: non-coding transcript variant (1).
Genome position (GRCh38, 1-based): chr11:32,434,881, C>T on the plus strand (G>A on the coding strand, the complement: WT1 is on the minus strand). VCF-style: chr11-32434881-C-T. GRCh37 (hg19) VCF-style: chr11-32456427-C-T.
Other names: c.480G>A, p.Gln160= (NM_000378.6, NM_024424.5).
Identifiers: ClinVar variation 543159 (VCV000543159.13), dbSNP rs758900425, ClinGen allele CA064974.